The following is an entry in ClinVar:

NM_020928.2(ZSWIM6):c.2464C>G (p.Pro822Ala)

Gene: ZSWIM6 (zinc finger SWIM-type containing 6; plus strand). Cytogenetic location: 5q12.1.
Variant type: single nucleotide variant.
Coding change: c.2464C>G on transcript NM_020928.2 (MANE Select); coding-DNA position 2464, C replaced by G.
Protein change: p.Pro822Ala; replaces proline 822 with alanine.
Molecular consequence: missense variant.
Genome position (GRCh38, 1-based): chr5:61,538,896, C>G. VCF-style: chr5-61538896-C-G. GRCh37 (hg19) VCF-style: chr5-60834723-C-G.
Other names: short protein forms P822A.
Identifiers: ClinVar variation 2855173 (VCV002855173.3), dbSNP rs2478390409, ClinGen allele CA359945402.

ClinVar aggregate classification (germline): Uncertain significance (1 of 4 stars; one submission).

Allele frequency attached by ClinVar (database versions not stated): gnomAD exomes below 0.00001.
gnomAD v4.1: 1 of 1,552,292 alleles (0.000064%); highest among the groups gnomAD compares: Non-Finnish European, 0.000087%; no homozygotes.

Submission:

Labcorp Genetics (formerly Invitae), Labcorp
Classification: Uncertain significance. Last evaluated: 2023-06-14. Review status: criteria provided, single submitter. Criteria: Invitae Variant Classification Sherloc (09022015). Collection method: clinical testing. Allele origin: germline.
Comment: In summary, the available evidence is currently insufficient to determine the role of this variant in disease. Therefore, it has been classified as a Variant of Uncertain Significance. Advanced modeling of protein sequence and biophysical properties (such as structural, functional, and spatial information, amino acid conservation, physicochemical variation, residue mobility, and thermodynamic stability) performed at Invitae indicates that this missense variant is not expected to disrupt ZSWIM6 protein function. This variant has not been reported in the literature in individuals affected with ZSWIM6-related conditions. This variant is not present in population databases (gnomAD no frequency). This sequence change replaces proline, which is neutral and non-polar, with alanine, which is neutral and non-polar, at codon 822 of the ZSWIM6 protein (p.Pro822Ala).